The following is an entry in ClinVar:

NM_001242896.3(DEPDC5):c.4563_4568del (p.Gly1522_Gln1523del)

Gene: DEPDC5 (DEP domain containing 5, GATOR1 subcomplex subunit; plus strand). Cytogenetic location: 22q12.3.
Variant type: Deletion.
Coding change: c.4563_4568del on transcript NM_001242896.3 (MANE Select); coding-DNA positions 4563 to 4568, 6 bases deleted (AGGGCA; older notation c.4563_4568delAGGGCA).
Protein change: p.Gly1522_Gln1523del.
Molecular consequence: inframe deletion. On other transcripts: non-coding transcript variant (5).
Genome position (GRCh38, 1-based): chr22:31,906,248-31,906,253, AGGGCA deleted. VCF-style (leftmost placement, unchanged base first): chr22-31906247-CAGGGCA-C. GRCh37 (hg19) VCF-style: chr22-32302233-CAGGGCA-C.
Other names: c.4536_4541del, p.Gly1513_Gln1514del (NM_001136029.4); c.4263_4268del, p.Gly1422_Gln1423del (NM_001242897.2); c.4497_4502del, p.Gly1500_Gln1501del (NM_001363852.2, NM_001364320.2); c.4329_4334del, p.Gly1444_Gln1445del (NM_001363854.2, NM_001364319.2); c.4563_4568del, p.Gly1522_Gln1523del (NM_001364318.2); c.4479_4484del, p.Gly1494_Gln1495del (NM_001369901.1, NM_001369902.1); c.4470_4475del, p.Gly1491_Gln1492del (NM_001369903.1, NM_014662.6).
Identifiers: ClinVar variation 2697705 (VCV002697705.3), dbSNP rs2093756573, ClinGen allele CA2401715356.

ClinVar aggregate classification (germline): Uncertain significance (1 of 4 stars; one submission).

Conditions:
Familial focal epilepsy with variable foci (FPEVF). Identifiers: Orphanet 98820, MedGen C1858477, MONDO:0020310.

Allele frequency attached by ClinVar (database versions not stated): TOPMed below 0.00001.

Submission:

Labcorp Genetics (formerly Invitae), Labcorp
Classification: Uncertain significance for Familial focal epilepsy with variable foci. Last evaluated: 2023-11-20. Review status: criteria provided, single submitter. Criteria: Invitae Variant Classification Sherloc (09022015). Collection method: clinical testing. Allele origin: germline.
Comment: This variant, c.4563_4568del, results in the deletion of 2 amino acid(s) of the DEPDC5 protein (p.Gly1522_Gln1523del), but otherwise preserves the integrity of the reading frame. This variant is not present in population databases (gnomAD no frequency). This variant has not been reported in the literature in individuals affected with DEPDC5-related conditions. Experimental studies and prediction algorithms are not available or were not evaluated, and the functional significance of this variant is currently unknown. In summary, the available evidence is currently insufficient to determine the role of this variant in disease. Therefore, it has been classified as a Variant of Uncertain Significance.